The following is an entry in ClinVar:

ClinVar aggregate classification (germline): Benign/Likely benign. Review status: criteria provided, multiple submitters, no conflicts (2 of 4 stars). 6 submissions from 6 submitters: Benign (2); Likely benign (2). 2 of the submissions do not count toward it. Last evaluated 2025-12-23.

Conditions:
Fanconi anemia complementation group C (FANCC). Also called: FANCC-Related Fanconi Anemia; FANCONI PANCYTOPENIA, TYPE 3; FACC; Fanconi anemia, group C. Identifiers: Orphanet 84, MedGen C3468041, MONDO:0009213, OMIM 227645.
Fanconi anemia (FA). Also called: Fanconi's anemia. Identifiers: Orphanet 84, MedGen C0015625, MeSH D005199, MONDO:0019391.
Malignant tumor of breast. Also called: Malignant breast neoplasm; Cancer breast. Identifiers: MedGen C0006142, MONDO:0007254. Disease mechanism: loss of function.

Allele frequency attached by ClinVar (database versions not stated): gnomAD exomes 0.00001 and 0.00002; TOPMed 0.00001; ExAC 0.00003.
gnomAD v4.1: 13 of 1,611,432 alleles (0.00081%); highest among the groups gnomAD compares: East Asian, 0.02%; no homozygotes.

Submissions (6):

Labcorp Genetics (formerly Invitae), Labcorp
Classification: Likely benign for Fanconi anemia. Last evaluated: 2025-12-23. Review status: criteria provided, single submitter. Criteria: Invitae Variant Classification Sherloc (09022015). Collection method: clinical testing. Allele origin: germline.

Quest Diagnostics Nichols Institute San Juan Capistrano
Classification: Likely benign. Last evaluated: 2025-06-16. Review status: criteria provided, single submitter. Criteria: Quest Diagnostics criteria. Collection method: clinical testing. Allele origin: unknown.

KCCC/NGS Laboratory, Kuwait Cancer Control Center
Classification: Benign for Fanconi anemia complementation group C. Last evaluated: 2025-02-01. Review status: criteria provided, single submitter. Criteria: ACMG Guidelines, 2015. Collection method: clinical testing. Allele origin: germline. Affected: no.

GeneDx
Classification: Benign. Last evaluated: 2015-09-24. Review status: criteria provided, single submitter. Criteria: GeneDx Variant Classification (06012015). Collection method: clinical testing. Allele origin: germline. Affected: yes.
Comment: This variant is considered likely benign or benign based on one or more of the following criteria: it is a conservative change, it occurs at a poorly conserved position in the protein, it is predicted to be benign by multiple in silico algorithms, and/or has population frequency not consistent with disease.

Counsyl
Classification: Uncertain significance for Fanconi anemia complementation group C. Last evaluated: 2017-09-01. Review status: no assertion criteria provided. Collection method: clinical testing. Allele origin: unknown. Not counted in ClinVar's aggregate classification.

Department of Pathology and Laboratory Medicine, Sinai Health System
Classification: Likely benign for Malignant tumor of breast. Review status: no assertion criteria provided. Collection method: clinical testing. Allele origin: unknown. Affected: yes. Study: The Canadian Open Genetics Repository (COGR). Not counted in ClinVar's aggregate classification.
Comment: The FANCC c.457-7T>C variant was not identified in the literature nor was it identified in the COSMIC, MutDB, or LOVD 3.0 databases. The variant was identified in dbSNP (ID: rs749994612) as â€šÃ„ÃºWith Likely benign alleleâ€šÃ„Ã¹, and in the ClinVar and Clinvitae databases (classified as benign by GeneDx and likely benign by Invitae). The variant was identified in control databases in 6 of 245808 chromosomes at a frequency of 0.00002 (Genome Aggregation Database Feb 27, 2017). Breakdown of the observations by population include East Asian in 6 of 17200 chromosomes (freq: 0.0003), while the variant was not observed in the African, Other, Latino, European Non-Finnish, Ashkenazi Jewish, European Finnish, and South Asian populations. The c.457-7T>C variant is located in the 3' splice region but none of 5 in silico or computational prediction software programs (SpliceSiteFinder, MaxEntScan, NNSPLICE, GeneSplicer, HumanSpliceFinder) predict a difference in splicing. In summary, based on the above information the clinical significance of this variant cannot be determined with certainty at this time although we would lean towards a more benign role for this variant. This variant is classified as likely benign.

NM_000136.3(FANCC):c.457-7T>C

Gene: FANCC (FA complementation group C; minus strand). Cytogenetic location: 9q22.32.
Variant type: single nucleotide variant.
Coding change: c.457-7T>C on transcript NM_000136.3 (MANE Select); 7 bases into the intron before coding-DNA position 457, T replaced by C.
Molecular consequence: intron variant.
Genome position (GRCh38, 1-based): chr9:95,171,150, A>G on the plus strand (T>C on the coding strand, the complement: FANCC is on the minus strand). VCF-style: chr9-95171150-A-G. GRCh37 (hg19) VCF-style: chr9-97933432-A-G.
Other names: c.457-7T>C (NM_001243743.2, NM_001243744.2).
Identifiers: ClinVar variation 237073 (VCV000237073.16), dbSNP rs749994612, ClinGen allele CA5137727.